The following is an entry in ClinVar:

NM_000091.5(COL4A3):c.1133G>A (p.Gly378Glu)

Genes: COL4A3 (collagen type IV alpha 3 chain; plus strand), MFF-DT (MFF divergent transcript; minus strand). Cytogenetic location: 2q36.3.
Variant type: single nucleotide variant.
Coding change: c.1133G>A on transcript NM_000091.5 (MANE Select); coding-DNA position 1133, G replaced by A.
Protein change: p.Gly378Glu; replaces glycine 378 with glutamic acid.
Molecular consequence: missense variant.
Genome position (GRCh38, 1-based): chr2:227,261,100, G>A. VCF-style: chr2-227261100-G-A. GRCh37 (hg19) VCF-style: chr2-228125816-G-A.
Other names: short protein forms G378E.
Identifiers: ClinVar variation 4817149 (VCV004817149.2).

ClinVar aggregate classification (germline): Likely pathogenic. Review status: criteria provided, multiple submitters, no conflicts (2 of 4 stars). 2 submissions from 2 submitters: Likely pathogenic (2). Last evaluated 2026-09-15.

Conditions:
Alport syndrome. Also called: Hemorrhagic familial nephritis; Hemorrhagic hereditary nephritis; Congenital hereditary hematuria. Identifiers: Orphanet 63, MedGen C1567741, MONDO:0018965.
Hematuria. Identifiers: MedGen C0018965, HP:0000790.

gnomAD v4.1: 4 of 1,612,290 alleles (0.00025%); highest among the groups gnomAD compares: Non-Finnish European, 0.00034%; no homozygotes.

Submissions (2):

Genetics Laboratory, Great Ormond Street Hospital NHS Foundation Trust, North Thames Genomic Laboratory Hub
Classification: Likely pathogenic for Haematuria. Last evaluated: 2026-09-15. Review status: criteria provided, single submitter. Criteria: ACGS Best Practice Guidelines for Variant Classification in Rare Disease 2024 v1.2. Collection method: clinical testing. Allele origin: germline. Affected: yes.
Comment: PM2_moderate, PP3_supporting, PM1_strong, PP4_supporting

Natera, Inc.
Classification: Likely pathogenic for Alport syndrome. Last evaluated: 2025-08-04. Review status: criteria provided, single submitter. Criteria: Natera Variant Classification Schema (03/2026). Collection method: clinical testing. Allele origin: germline.
Comment: The c.1133G>A variant in COL4A3 is a missense variant predicted to cause substitution of glycine to glutamic acid at amino acid 378. This variant is rare in the general population with a frequency below the threshold expected for the associated phenotype(s). This variant is located in a functionally critical region of the protein. A different variant at the same position has been determined to be Pathogenic or Likely Pathogenic. Computational prediction algorithms indicate this variant is likely to affect gene or protein function. Given the available evidence, this variant is classified as Likely Pathogenic.